The following is an entry in ClinVar:

NM_006363.6(SEC23B):c.2126A>G (p.Asn709Ser)

Gene: SEC23B (SEC23 homolog B, COPII component; plus strand). Cytogenetic location: 20p11.23.
Variant type: single nucleotide variant.
Coding change: c.2126A>G on transcript NM_006363.6 (MANE Select); coding-DNA position 2126, A replaced by G.
Protein change: p.Asn709Ser; replaces asparagine 709 with serine.
Molecular consequence: missense variant.
Genome position (GRCh38, 1-based): chr20:18,554,368, A>G. VCF-style: chr20-18554368-A-G. GRCh37 (hg19) VCF-style: chr20-18535012-A-G.
Other names: c.2126A>G (NM_006363.4); c.2126A>G, p.Asn709Ser (NM_001172745.3, NM_032985.6, NM_032986.5); c.2072A>G, p.Asn691Ser (NM_001172746.3); short protein forms N709S, N691S.
Identifiers: ClinVar variation 1465363 (VCV001465363.12), dbSNP rs778348206, ClinGen allele CA9778597.

ClinVar aggregate classification (germline): Uncertain significance. Review status: criteria provided, multiple submitters, no conflicts (2 of 4 stars). 4 submissions from 4 submitters: Uncertain significance (4). Last evaluated 2025-06-08.

Conditions:
Congenital dyserythropoietic anemia, type II (CDAN2). Also called: DYSERYTHROPOIETIC ANEMIA, HEMPAS TYPE. Identifiers: Orphanet 98873, MedGen C1306589, MONDO:0009134, OMIM 224100.
Cowden syndrome 7 (CWS7). Identifiers: Orphanet 201, MedGen C4225179, MONDO:0014802, OMIM 616858.
Inborn genetic diseases. Identifiers: MedGen C0950123, MeSH D030342.

Allele frequency attached by ClinVar (database versions not stated): gnomAD exomes 0.00001; ExAC 0.00002; gnomAD 0.00003; TOPMed 0.00004.
gnomAD v4.1: 31 of 1,614,114 alleles (0.0019%); highest among the groups gnomAD compares: Non-Finnish European, 0.0025%; no homozygotes.

Submissions (4):

Ambry Genetics
Classification: Uncertain significance for Inborn genetic diseases. Last evaluated: 2025-06-08. Review status: criteria provided, single submitter. Criteria: Ambry Variant Classification Scheme 2023. Collection method: clinical testing. Allele origin: germline.

ARUP Laboratories, Molecular Genetics and Genomics, ARUP Laboratories
Classification: Uncertain significance. Last evaluated: 2024-12-31. Review status: criteria provided, single submitter. Criteria: ARUP Molecular Germline Variant Investigation Process 2024. Collection method: clinical testing. Allele origin: germline.
Comment: The SEC23B c.2126A>G; p.Asn709Ser variant (rs778348206), to our knowledge, is not reported in the medical literature but is reported in ClinVar (Variation ID: 1465363). This variant is only observed on three alleles in the Genome Aggregation Database (v2.1.1), indicating it is not a common polymorphism. Computational analyses predict that this variant is neutral (REVEL: 0.063). Due to limited information, the clinical significance of this variant is uncertain at this time.

Revvity Omics, Revvity
Classification: Uncertain significance. Last evaluated: 2024-12-20. Review status: criteria provided, single submitter. Criteria: ACMG Guidelines, 2015. Collection method: clinical testing. Allele origin: germline.

Labcorp Genetics (formerly Invitae), Labcorp
Classification: Uncertain significance for Congenital dyserythropoietic anemia, type II; Cowden syndrome 7. Last evaluated: 2021-12-03. Review status: criteria provided, single submitter. Criteria: Invitae Variant Classification Sherloc (09022015). Collection method: clinical testing. Allele origin: germline.
Comment: This sequence change replaces asparagine, which is neutral and polar, with serine, which is neutral and polar, at codon 709 of the SEC23B protein (p.Asn709Ser). This variant is present in population databases (rs778348206, gnomAD 0.003%). This variant has not been reported in the literature in individuals affected with SEC23B-related conditions. Algorithms developed to predict the effect of missense changes on protein structure and function (SIFT, PolyPhen-2, Align-GVGD) all suggest that this variant is likely to be tolerated. Algorithms developed to predict the effect of sequence changes on RNA splicing suggest that this variant may create or strengthen a splice site. In summary, the available evidence is currently insufficient to determine the role of this variant in disease. Therefore, it has been classified as a Variant of Uncertain Significance.